The following is an entry in ClinVar:

NM_020778.5(ALPK3):c.4301C>T (p.Pro1434Leu)

Gene: ALPK3 (alpha kinase 3; plus strand). Cytogenetic location: 15q25.3.
Variant type: single nucleotide variant.
Coding change: c.4301C>T on transcript NM_020778.5 (MANE Select); coding-DNA position 4301, C replaced by T.
Protein change: p.Pro1434Leu; replaces proline 1434 with leucine.
Molecular consequence: missense variant.
Genome position (GRCh38, 1-based): chr15:84,862,806, C>T. VCF-style: chr15-84862806-C-T. GRCh37 (hg19) VCF-style: chr15-85406037-C-T.
Other names: short protein forms P1434L.
Identifiers: ClinVar variation 3291556 (VCV003291556.1).
Genomic context (GRCh38, chr15:84,862,806, plus strand): 5'-GTGGATATGGGTGTGGCCTTCGGAAGGCCTCCCAGGCCAAGGTCATCTACGGGCTGGAAC[C>T]CATCTTCGAGTCGGGCCGCACGTGCATCATCAAGGTGTCCAGCCTGCTTGTGTTTGGGCC-3'
Protein context (NP_065829.4, residues 1424-1444): SQAKVIYGLE[Pro1434Leu]IFESGRTCII

ClinVar aggregate classification (germline): Uncertain significance (1 of 4 stars; one submission).

Conditions:
Cardiovascular phenotype. Identifiers: MedGen CN230736.

Submission:

Ambry Genetics
Classification: Uncertain significance for Cardiovascular phenotype. Last evaluated: 2024-04-27. Review status: criteria provided, single submitter. Criteria: Ambry Variant Classification Scheme 2023. Collection method: clinical testing. Allele origin: germline.
Comment: The p.P1636L variant (also known as c.4907C>T), located in coding exon 10 of the ALPK3 gene, results from a C to T substitution at nucleotide position 4907. The proline at codon 1636 is replaced by leucine, an amino acid with similar properties. This amino acid position is conserved. In addition, this alteration is predicted to be tolerated by in silico analysis. Based on the available evidence, the clinical significance of this variant remains unclear.